The following is an entry in ClinVar:

ClinVar aggregate classification (germline): Uncertain significance (1 of 4 stars; one submission).

Conditions:
SMAD6-related disease. Also called: SMAD6-related condition; SMAD6-related disorder. Identifiers: MedGen CN381596, MONDO:0700324.

Allele frequency attached by ClinVar (database versions not stated): gnomAD exomes below 0.00001.
gnomAD v4.1: 1 of 1,566,472 alleles (0.000064%); highest among the groups gnomAD compares: Non-Finnish European, 0.000086%; no homozygotes.

Submission:

PreventionGenetics, part of Exact Sciences
Classification: Uncertain significance for SMAD6-related condition. Last evaluated: 2022-10-01. Review status: criteria provided, single submitter. Criteria: ACMG Guidelines, 2015. Collection method: clinical testing. Allele origin: germline.
Comment: The SMAD6 c.1456T>C variant is predicted to result in the amino acid substitution p.Cys486Arg. To our knowledge, this variant has not been reported in the literature or in a large population database, indicating this variant is rare. At this time, the clinical significance of this variant is uncertain due to the absence of conclusive functional and genetic evidence.

NM_005585.5(SMAD6):c.1456T>C (p.Cys486Arg)

Gene: SMAD6 (SMAD family member 6; plus strand). Cytogenetic location: 15q22.31.
Variant type: single nucleotide variant.
Coding change: c.1456T>C on transcript NM_005585.5 (MANE Select); coding-DNA position 1456, T replaced by C.
Protein change: p.Cys486Arg; replaces cysteine 486 with arginine.
Molecular consequence: missense variant. On other transcripts: non-coding transcript variant (1).
Genome position (GRCh38, 1-based): chr15:66,781,500, T>C. VCF-style: chr15-66781500-T-C. GRCh37 (hg19) VCF-style: chr15-67073838-T-C.
Other names: short protein forms C486R.
Identifiers: ClinVar variation 2636975 (VCV002636975.1), dbSNP rs1167331902, ClinGen allele CA393202574.